The following is an entry in ClinVar:

NM_006180.6(NTRK2):c.1397-50488G>A

Gene: NTRK2 (neurotrophic receptor tyrosine kinase 2; plus strand). Cytogenetic location: 9q21.33.
Variant type: single nucleotide variant.
Coding change: c.1397-50488G>A on transcript NM_006180.6 (MANE Select); 50488 bases into the intron before coding-DNA position 1397, G replaced by A.
Molecular consequence: intron variant. On other transcripts: synonymous variant (15), 3 prime UTR variant (1).
Genome position (GRCh38, 1-based): chr9:84,810,552, G>A. VCF-style: chr9-84810552-G-A. GRCh37 (hg19) VCF-style: chr9-87425467-G-A.
Other names: c.1407G>A, p.Leu469= (NM_001007097.3, NM_001369539.1, NM_001369540.1 and 7 more transcripts); c.1368G>A, p.Leu456= (NM_001291937.2, NM_001369546.1); c.*44G>A (NM_001369547.1); c.939G>A, p.Leu313= (NM_001369550.1, NM_001369551.1, NM_001369552.1); c.1397-56691G>A (NM_001369532.1, NM_001369533.1, NM_001018066.3 and 2 more transcripts); c.1397-50488G>A (NM_001369537.1, NM_001018065.2); c.1361-56691G>A (NM_001369534.1); c.929-50488G>A (NM_001369536.1); and 1 more.
Identifiers: ClinVar variation 4982306 (VCV004982306.1).

ClinVar aggregate classification (germline): Likely benign (1 of 4 stars; one submission).

Conditions:
NTRK2-related disorder. Also called: NTRK2-related condition.

gnomAD v4.1: 1 of 1,613,584 alleles (0.000062%); highest among the groups gnomAD compares: Non-Finnish European, 0.000085%; no homozygotes.

Submission:

PreventionGenetics, part of Exact Sciences
Classification: Likely benign for NTRK2-related condition. Last evaluated: 2025-06-02. Review status: criteria provided, single submitter. Criteria: ACMG Guidelines, 2015. Collection method: clinical testing. Allele origin: germline.
Comment: This variant is classified as likely benign based on ACMG/AMP sequence variant interpretation guidelines (Richards et al. 2015 PMID: 25741868, with internal and published modifications).